The following is an entry in ClinVar:

ClinVar aggregate classification (germline): Uncertain significance. Review status: criteria provided, multiple submitters, no conflicts (2 of 4 stars). 2 submissions from 2 submitters: Uncertain significance (2). Last evaluated 2024-03-19.

Conditions:
Inborn genetic diseases. Identifiers: MedGen C0950123, MeSH D030342.

Allele frequency attached by ClinVar (database versions not stated): gnomAD 0.00001; TOPMed 0.00001.
gnomAD v4.1: 8 of 1,382,512 alleles (0.00058%); highest among the groups gnomAD compares: Admixed American, 0.0073%; 1 homozygote.

Submissions (2):

Ambry Genetics
Classification: Uncertain significance for Inborn genetic diseases. Last evaluated: 2024-03-19. Review status: criteria provided, single submitter. Criteria: Ambry Variant Classification Scheme 2023. Collection method: clinical testing. Allele origin: germline.

Labcorp Genetics (formerly Invitae), Labcorp
Classification: Uncertain significance. Last evaluated: 2023-04-13. Review status: criteria provided, single submitter. Criteria: Invitae Variant Classification Sherloc (09022015). Collection method: clinical testing. Allele origin: germline.
Comment: An algorithm developed to predict the effect of missense changes on protein structure and function (PolyPhen-2) suggests that this variant is likely to be disruptive. In summary, the available evidence is currently insufficient to determine the role of this variant in disease. Therefore, it has been classified as a Variant of Uncertain Significance. ClinVar contains an entry for this variant (Variation ID: 2197573). This variant has not been reported in the literature in individuals affected with DNAH9-related conditions. This variant is not present in population databases (gnomAD no frequency). This sequence change replaces valine, which is neutral and non-polar, with methionine, which is neutral and non-polar, at codon 74 of the DNAH9 protein (p.Val74Met).

NM_001372.4(DNAH9):c.220G>A (p.Val74Met)

Gene: DNAH9 (dynein axonemal heavy chain 9; plus strand). Cytogenetic location: 17p12.
Variant type: single nucleotide variant.
Coding change: c.220G>A on transcript NM_001372.4 (MANE Select); coding-DNA position 220, G replaced by A.
Protein change: p.Val74Met; replaces valine 74 with methionine.
Molecular consequence: missense variant.
Genome position (GRCh38, 1-based): chr17:11,598,718, G>A. VCF-style: chr17-11598718-G-A. GRCh37 (hg19) VCF-style: chr17-11502035-G-A.
Other names: c.220G>A (NM_001372.3); short protein forms V74M.
Identifiers: ClinVar variation 2197573 (VCV002197573.5), dbSNP rs1484268079, ClinGen allele CA398154090.